The following is an entry in ClinVar:

NM_001041.4(SI):c.3463G>A (p.Ala1155Thr)

Gene: SI (sucrase-isomaltase; minus strand). Cytogenetic location: 3q26.1.
Variant type: single nucleotide variant.
Coding change: c.3463G>A on transcript NM_001041.4 (MANE Select); coding-DNA position 3463, G replaced by A.
Protein change: p.Ala1155Thr; replaces alanine 1155 with threonine.
Molecular consequence: missense variant.
Genome position (GRCh38, 1-based): chr3:165,018,027, C>T on the plus strand (G>A on the coding strand, the complement: SI is on the minus strand). VCF-style: chr3-165018027-C-T. GRCh37 (hg19) VCF-style: chr3-164735815-C-T.
Other names: short protein forms A1155T.
Identifiers: ClinVar variation 2201665 (VCV002201665.2), dbSNP rs151040229, ClinGen allele CA355038722.

ClinVar aggregate classification (germline): Uncertain significance (1 of 4 stars; one submission).

gnomAD v4.1: 11 of 1,611,292 alleles (0.00068%); highest among the groups gnomAD compares: Non-Finnish European, 0.00085%; no homozygotes.

Submission:

Labcorp Genetics (formerly Invitae), Labcorp
Classification: Uncertain significance. Last evaluated: 2022-07-19. Review status: criteria provided, single submitter. Criteria: Invitae Variant Classification Sherloc (09022015). Collection method: clinical testing. Allele origin: germline.
Comment: In summary, the available evidence is currently insufficient to determine the role of this variant in disease. Therefore, it has been classified as a Variant of Uncertain Significance. Algorithms developed to predict the effect of missense changes on protein structure and function output the following: SIFT: "Tolerated"; PolyPhen-2: "Benign"; Align-GVGD: "Class C0". The threonine amino acid residue is found in multiple mammalian species, which suggests that this missense change does not adversely affect protein function. This variant has not been reported in the literature in individuals affected with SI-related conditions. This variant is present in population databases (no rsID available, gnomAD 0.0009%). This sequence change replaces alanine, which is neutral and non-polar, with threonine, which is neutral and polar, at codon 1155 of the SI protein (p.Ala1155Thr).